The following is an entry in ClinVar:

ClinVar aggregate classification (germline): Uncertain significance (0 of 4 stars; one submission).

Conditions:
RPGRIP1L-related disorder. Also called: RPGRIP1L-related condition; RPGRIP1L-related disorders. Identifiers: MedGen CN239416.

gnomAD v4.1: 2 of 1,610,910 alleles (0.00012%); highest among the groups gnomAD compares: Admixed American, 0.0017%; no homozygotes.

Submission:

PreventionGenetics, part of Exact Sciences
Classification: Uncertain significance for RPGRIP1L-related condition. Last evaluated: 2024-07-10. Review status: no assertion criteria provided. Collection method: clinical testing. Allele origin: germline.
Comment: The RPGRIP1L c.842C>T variant is predicted to result in the amino acid substitution p.Ala281Val. To our knowledge, this variant has not been reported in the literature. This variant is reported in 0.0040% of alleles in individuals of African descent in gnomAD. At this time, the clinical significance of this variant is uncertain due to the absence of conclusive functional and genetic evidence.

NM_015272.5(RPGRIP1L):c.842C>T (p.Ala281Val)

Gene: RPGRIP1L (RPGRIP1 like; minus strand). Cytogenetic location: 16q12.2.
Variant type: single nucleotide variant.
Coding change: c.842C>T on transcript NM_015272.5 (MANE Select); coding-DNA position 842, C replaced by T.
Protein change: p.Ala281Val; replaces alanine 281 with valine.
Molecular consequence: missense variant.
Genome position (GRCh38, 1-based): chr16:53,675,057, G>A on the plus strand (C>T on the coding strand, the complement: RPGRIP1L is on the minus strand). VCF-style: chr16-53675057-G-A. GRCh37 (hg19) VCF-style: chr16-53708969-G-A.
Other names: c.842C>T, p.Ala281Val (NM_001127897.4, NM_001308334.3, NM_001330538.2); short protein forms A281V.
Identifiers: ClinVar variation 3356343 (VCV003356343.1).